The following is an entry in ClinVar:

ClinVar aggregate classification (germline): Uncertain significance (1 of 4 stars; one submission).

Submission:

Labcorp Genetics (formerly Invitae), Labcorp
Classification: Uncertain significance. Last evaluated: 2022-06-28. Review status: criteria provided, single submitter. Criteria: Invitae Variant Classification Sherloc (09022015). Collection method: clinical testing. Allele origin: germline.
Comment: In summary, the available evidence is currently insufficient to determine the role of this variant in disease. Therefore, it has been classified as a Variant of Uncertain Significance. Algorithms developed to predict the effect of missense changes on protein structure and function are either unavailable or do not agree on the potential impact of this missense change (SIFT: "Deleterious"; PolyPhen-2: "Not Available"; Align-GVGD: "Class C65"). This variant has not been reported in the literature in individuals affected with RIN2-related conditions. This variant is not present in population databases (gnomAD no frequency). This sequence change replaces lysine, which is basic and polar, with asparagine, which is neutral and polar, at codon 565 of the RIN2 protein (p.Lys565Asn).

NM_018993.4(RIN2):c.1695G>C (p.Lys565Asn)

Gene: RIN2 (Ras and Rab interactor 2; plus strand). Cytogenetic location: 20p11.23.
Variant type: single nucleotide variant.
Coding change: c.1695G>C on transcript NM_018993.4 (MANE Select); coding-DNA position 1695, G replaced by C.
Protein change: p.Lys565Asn; replaces lysine 565 with asparagine.
Molecular consequence: missense variant.
Genome position (GRCh38, 1-based): chr20:19,975,720, G>C. VCF-style: chr20-19975720-G-C. GRCh37 (hg19) VCF-style: chr20-19956364-G-C.
Other names: c.1842G>C, p.Lys614Asn (NM_001242581.2); c.1077G>C, p.Lys359Asn (NM_001378238.1); short protein forms K359N, K565N, K614N.
Identifiers: ClinVar variation 1513455 (VCV001513455.6), dbSNP rs2146324481, ClinGen allele CA408363542.